The following is an entry in ClinVar:

ClinVar aggregate classification (germline): other (0 of 4 stars; one submission).

Conditions:
Familial colorectal cancer. Identifiers: MedGen CN280943, MONDO:0023113. Disease mechanism: loss of function.

Submission:

Systems Biology Platform Zhejiang California International NanoSystems Institute
Classification: other for Familial colorectal cancer. Review status: no assertion criteria provided. Collection method: not provided. Allele origin: unknown.
ClinVar note: Converted during submission from cancer to other.

NM_001127511.3(APC):c.165+20534G>C

Gene: APC (APC regulator of Wnt signaling pathway; plus strand). Cytogenetic location: 5q22.2.
Variant type: single nucleotide variant.
Coding change: c.165+20534G>C on transcript NM_001127511.3; 20534 bases into the intron after coding-DNA position 165, G replaced by C.
Molecular consequence: intron variant.
Genome position (GRCh38, 1-based): chr5:112,728,416, G>C. VCF-style: chr5-112728416-G-C. GRCh37 (hg19) VCF-style: chr5-112064113-G-C.
Other names: c.-19+20534G>C (NM_001407469.1, NM_001407447.1, NM_001354895.2 and 3 more transcripts); c.165+20534G>C (NM_001407446.1, NM_001354897.2, NM_001354902.2); c.-19+20767G>C (NM_001407448.1, NM_001407450.1, NM_001407457.1 and 1 more transcripts); c.-43+20767G>C (NM_001407453.1); c.-1054+20534G>C (NM_001407470.1, NM_001407472.1).
Identifiers: ClinVar variation 82290 (VCV000082290.4), dbSNP rs79031980, ClinGen allele CA023491.